The following is an entry in ClinVar:

NM_015107.3(PHF8):c.2649+747C>G

Gene: PHF8 (PHD finger protein 8; minus strand). Cytogenetic location: Xp11.22.
Variant type: single nucleotide variant.
Coding change: c.2649+747C>G on transcript NM_015107.3 (MANE Select); 747 bases into the intron after coding-DNA position 2649, C replaced by G.
Molecular consequence: intron variant. On other transcripts: missense variant (1).
Genome position (GRCh38, 1-based): chrX:53,943,387, G>C on the plus strand (C>G on the coding strand, the complement: PHF8 is on the minus strand). VCF-style: chrX-53943387-G-C. GRCh37 (hg19) VCF-style: chrX-53969820-G-C.
Other names: c.2614C>G, p.Leu872Val (NM_001184898.2); c.2757+747C>G (NM_001184896.1); c.2346+747C>G (NM_001184897.2); short protein forms L872V.
Identifiers: ClinVar variation 3341884 (VCV003341884.16).

ClinVar aggregate classification (germline): Uncertain significance (1 of 4 stars; one submission).

gnomAD v4.1: 6 of 969,179 alleles (0.00062%); highest among the groups gnomAD compares: Non-Finnish European, 0.00086%; no homozygotes.

Submission:

CeGaT Center for Human Genetics Tuebingen
Classification: Uncertain significance. Last evaluated: 2024-08-01. Review status: criteria provided, single submitter. Criteria: CeGaT Center For Human Genetics Tuebingen Variant Classification Criteria Version 2. Collection method: clinical testing. Allele origin: germline. Affected: yes. Observed: 1 variant allele.
Comment: PHF8: PP2, BP4